The following is an entry in ClinVar:

ClinVar aggregate classification (germline): Uncertain significance (1 of 4 stars; one submission).

Conditions:
Holoprosencephaly 11 (HPE11). Identifiers: Orphanet 2162, MedGen C3280215, MONDO:0013642, OMIM 614226.

Allele frequency attached by ClinVar (database versions not stated): gnomAD 0.00001; gnomAD exomes below 0.00001; TOPMed 0.00001.

Submission:

Centre for Mendelian Genomics, University Medical Centre Ljubljana
Classification: Uncertain significance for Holoprosencephaly 11. Last evaluated: 2020-03-09. Review status: criteria provided, single submitter. Criteria: ACMG Guidelines, 2015. Collection method: clinical testing. Allele origin: unknown. Affected: yes.
Comment: This variant was classified as: Uncertain significance. The available evidence on this variant's pathogenicity is insufficient or conflicting. The following ACMG criteria were applied in classifying this variant: PM2.

NM_001378964.1(CDON):c.2238del (p.Asn746fs)

Gene: CDON (cell adhesion associated, oncogene regulated; minus strand). Cytogenetic location: 11q24.2.
Variant type: Deletion.
Coding change: c.2238del on transcript NM_001378964.1 (MANE Select); coding-DNA position 2238, one base deleted (C; older notation c.2238delC).
Protein change: p.Asn746fs; shifts the reading frame from asparagine 746.
Molecular consequence: frameshift variant.
Genome position (GRCh38, 1-based): chr11:125,997,331, G deleted on the plus strand (C on the coding strand, the reverse complement: CDON is on the minus strand). VCF-style (leftmost placement, unchanged base first): chr11-125997330-CG-C. GRCh37 (hg19) VCF-style: chr11-125867225-CG-C.
Other names: c.2238delC, p.Asn746Lysfs (NM_001243597.3, NM_016952.6); short protein forms N746fs.
Identifiers: ClinVar variation 930675 (VCV000930675.3), dbSNP rs1171605734, ClinGen allele CA602342684.